The following is an entry in ClinVar:

NM_022124.6(CDH23):c.5770C>A (p.Leu1924Met)

Gene: CDH23 (cadherin related 23; plus strand). Cytogenetic location: 10q22.1.
Variant type: single nucleotide variant.
Coding change: c.5770C>A on transcript NM_022124.6 (MANE Select); coding-DNA position 5770, C replaced by A.
Protein change: p.Leu1924Met; replaces leucine 1924 with methionine.
Molecular consequence: missense variant.
Genome position (GRCh38, 1-based): chr10:71,785,688, C>A. VCF-style: chr10-71785688-C-A. GRCh37 (hg19) VCF-style: chr10-73545445-C-A.
Other names: short protein forms L1924M.
Identifiers: ClinVar variation 1499563 (VCV001499563.6), dbSNP rs2132940483, ClinGen allele CA377147894.

ClinVar aggregate classification (germline): Uncertain significance (1 of 4 stars; one submission).

Submission:

Labcorp Genetics (formerly Invitae), Labcorp
Classification: Uncertain significance. Last evaluated: 2024-02-23. Review status: criteria provided, single submitter. Criteria: Invitae Variant Classification Sherloc (09022015). Collection method: clinical testing. Allele origin: germline.
Comment: This sequence change replaces leucine, which is neutral and non-polar, with methionine, which is neutral and non-polar, at codon 1924 of the CDH23 protein (p.Leu1924Met). This variant is not present in population databases (gnomAD no frequency). This variant has not been reported in the literature in individuals affected with CDH23-related conditions. ClinVar contains an entry for this variant (Variation ID: 1499563). Advanced modeling of protein sequence and biophysical properties (such as structural, functional, and spatial information, amino acid conservation, physicochemical variation, residue mobility, and thermodynamic stability) performed at Invitae indicates that this missense variant is not expected to disrupt CDH23 protein function with a negative predictive value of 95%. In summary, the available evidence is currently insufficient to determine the role of this variant in disease. Therefore, it has been classified as a Variant of Uncertain Significance.